The following is an entry in ClinVar:

NM_031433.4(MFRP):c.1437C>A (p.Tyr479Ter)

Genes: C1QTNF5 (C1q and TNF related 5; minus strand), MFRP (membrane frizzled-related protein; minus strand). Cytogenetic location: 11q23.3.
Variant type: single nucleotide variant.
Coding change: c.1437C>A on transcript NM_031433.4 (MANE Select); coding-DNA position 1437, C replaced by A.
Protein change: p.Tyr479Ter; replaces tyrosine 479 with a stop codon.
Molecular consequence: nonsense. On other transcripts: 5 prime UTR variant (1).
Genome position (GRCh38, 1-based): chr11:119,341,935, G>T on the plus strand (C>A on the coding strand, the complement: MFRP is on the minus strand). VCF-style: chr11-119341935-G-T. GRCh37 (hg19) VCF-style: chr11-119212645-G-T.
Other names: c.-1200C>A (NM_015645.5); short protein forms Y479*.
Identifiers: ClinVar variation 5007800 (VCV005007800.2).
Genomic context (GRCh38, chr11:119,341,935, plus strand): 5'-CTCTACCACCTCCTCCTGGGTGATCATGCCCACCCAGATGTTAGGGAAGGCTGTGGTGTT[G>T]TAGCTCAGACCGAGGCACATCTCCACCTGGACAGGCTCACAGGCCAGCTCTGCAGGGGTG-3'

ClinVar aggregate classification (germline): Likely pathogenic (1 of 4 stars; one submission).

Conditions:
Nanophthalmos 2 (NNO2). Also called: NANOPHTHALMIA 2; NANOPHTHALMOS, AUTOSOMAL RECESSIVE. Identifiers: Orphanet 35612, MedGen C1836006, MONDO:0012299, OMIM 609549.
Isolated microphthalmia 5. Also called: Posterior Microphthalmia with Retinitis Pigmentosa, Foveoschisis, and Optic Disc Drusen. Identifiers: Orphanet 251279, MedGen C1970236, MONDO:0012605, OMIM 611040.

Submission:

Juno Genomics, Hangzhou Juno Genomics, Inc
Classification: Likely pathogenic for Isolated microphthalmia 5; Nanophthalmos 2. Review status: criteria provided, single submitter. Criteria: ACMG Guidelines, 2015. Collection method: clinical testing. Allele origin: germline.
Comment: Null variant in a gene where loss of function (LOF) is a known mechanism of disease.;Absent from controls (or at extremely low frequency if recessive) in Genome Aggregation Database.